The following is an entry in ClinVar:

ClinVar aggregate classification (germline): Uncertain significance. Review status: criteria provided, multiple submitters, no conflicts (2 of 4 stars). 2 submissions from 2 submitters: Uncertain significance (2). Last evaluated 2025-08-04.

Conditions:
MEGF8-related Carpenter syndrome. Also called: Carpenter syndrome 2. Identifiers: Orphanet 65759, MedGen C3554247, MONDO:0013998, OMIM 614976.
Inborn genetic diseases. Identifiers: MedGen C0950123, MeSH D030342.

Allele frequency attached by ClinVar (database versions not stated): TOPMed below 0.00001; gnomAD 0.00001; ESP Exome Variant Server 0.00008.

Submissions (2):

Ambry Genetics
Classification: Uncertain significance for Inborn genetic diseases. Last evaluated: 2025-08-04. Review status: criteria provided, single submitter. Criteria: Ambry Variant Classification Scheme 2023. Collection method: clinical testing. Allele origin: germline.

Labcorp Genetics (formerly Invitae), Labcorp
Classification: Uncertain significance for MEGF8-related Carpenter syndrome. Last evaluated: 2021-12-08. Review status: criteria provided, single submitter. Criteria: Invitae Variant Classification Sherloc (09022015). Collection method: clinical testing. Allele origin: germline.
Comment: This sequence change replaces glycine, which is neutral and non-polar, with cysteine, which is neutral and slightly polar, at codon 2749 of the MEGF8 protein (p.Gly2749Cys). The frequency data for this variant in the population databases is considered unreliable, as metrics indicate poor data quality at this position in the gnomAD database. This variant has not been reported in the literature in individuals affected with MEGF8-related conditions. Algorithms developed to predict the effect of sequence changes on RNA splicing suggest that this variant may create or strengthen a splice site. In summary, the available evidence is currently insufficient to determine the role of this variant in disease. Therefore, it has been classified as a Variant of Uncertain Significance. Algorithms developed to predict the effect of missense changes on protein structure and function are either unavailable or do not agree on the potential impact of this missense change (SIFT: "Deleterious"; PolyPhen-2: "Probably Damaging"; Align-GVGD: "Class C0").

NM_001271938.2(MEGF8):c.8446G>T (p.Gly2816Cys)

Gene: MEGF8 (multiple EGF like domains 8; plus strand). Cytogenetic location: 19q13.2.
Variant type: single nucleotide variant.
Coding change: c.8446G>T on transcript NM_001271938.2 (MANE Select); coding-DNA position 8446, G replaced by T.
Protein change: p.Gly2816Cys; replaces glycine 2816 with cysteine.
Molecular consequence: missense variant.
Genome position (GRCh38, 1-based): chr19:42,376,683, G>T. VCF-style: chr19-42376683-G-T. GRCh37 (hg19) VCF-style: chr19-42880835-G-T.
Other names: c.8245G>T, p.Gly2749Cys (NM_001410.3); c.8245G>T (NM_001410.2); short protein forms G2749C, G2816C.
Identifiers: ClinVar variation 1947398 (VCV001947398.6), dbSNP rs373738711, ClinGen allele CA9476378.
Genomic context (GRCh38, chr19:42,376,683, plus strand): 5'-GGCGCCTGCCTGGGGTCAGCCCTCGTCACACTGCGGCACAGGCTGCACGAGTACTGTGGG[G>T]GTGGTGGGGGTGCTGGGGGCAGTGGGCATGGGACTGGTGCGGGCCGGAAGGGACTGTTGA-3'
Protein context (NP_001258867.1, residues 2806-2826): LRHRLHEYCG[Gly2816Cys]GGGAGGSGHG